The following is an entry in ClinVar:

NM_020812.4(DOCK6):c.4267A>G (p.Ser1423Gly)

Genes: DOCK6 (dedicator of cytokinesis 6; minus strand), DOCK6-AS1 (DOCK6 antisense RNA 1; plus strand). Cytogenetic location: 19p13.2.
Variant type: single nucleotide variant.
Coding change: c.4267A>G on transcript NM_020812.4 (MANE Select); coding-DNA position 4267, A replaced by G.
Protein change: p.Ser1423Gly; replaces serine 1423 with glycine.
Molecular consequence: missense variant.
Genome position (GRCh38, 1-based): chr19:11,214,346, T>C on the plus strand (A>G on the coding strand, the complement: DOCK6 is on the minus strand). VCF-style: chr19-11214346-T-C. GRCh37 (hg19) VCF-style: chr19-11325022-T-C.
Other names: c.4372A>G, p.Ser1458Gly (NM_001367830.1); c.4267A>G (NM_020812.2); short protein forms S1458G, S1423G.
Identifiers: ClinVar variation 2081581 (VCV002081581.2), dbSNP rs886684761, ClinGen allele CA305311460.

ClinVar aggregate classification (germline): Uncertain significance. Review status: criteria provided, multiple submitters, no conflicts (2 of 4 stars). 2 submissions from 2 submitters: Uncertain significance (2). Last evaluated 2024-11-07.

Conditions:
Inborn genetic diseases. Identifiers: MedGen C0950123, MeSH D030342.

Allele frequency attached by ClinVar (database versions not stated): gnomAD exomes below 0.00001; gnomAD 0.00003; TOPMed 0.00010.
gnomAD v4.1: 8 of 1,613,558 alleles (0.0005%); highest among the groups gnomAD compares: Admixed American, 0.012%; no homozygotes.

Submissions (2):

Ambry Genetics
Classification: Uncertain significance for Inborn genetic diseases. Last evaluated: 2024-11-07. Review status: criteria provided, single submitter. Criteria: Ambry Variant Classification Scheme 2023. Collection method: clinical testing. Allele origin: germline.

Labcorp Genetics (formerly Invitae), Labcorp
Classification: Uncertain significance. Last evaluated: 2022-07-30. Review status: criteria provided, single submitter. Criteria: Invitae Variant Classification Sherloc (09022015). Collection method: clinical testing. Allele origin: germline.
Comment: This sequence change replaces serine, which is neutral and polar, with glycine, which is neutral and non-polar, at codon 1423 of the DOCK6 protein (p.Ser1423Gly). This variant is not present in population databases (gnomAD no frequency). This variant has not been reported in the literature in individuals affected with DOCK6-related conditions. Algorithms developed to predict the effect of missense changes on protein structure and function (SIFT, PolyPhen-2, Align-GVGD) all suggest that this variant is likely to be tolerated. In summary, the available evidence is currently insufficient to determine the role of this variant in disease. Therefore, it has been classified as a Variant of Uncertain Significance.